The following is an entry in ClinVar:

ClinVar aggregate classification (germline): Likely benign. Review status: criteria provided, multiple submitters, no conflicts (2 of 4 stars). 3 submissions from 3 submitters: Likely benign (2). 1 of the submissions does not count toward it. Last evaluated 2026-03-01.

Conditions:
ZNF462-related disorder. Also called: ZNF462-related condition; ZNF462 related disease.

Allele frequency attached by ClinVar (database versions not stated): ExAC 0.00059; 1000 Genomes Project 30x 0.00265; ESP Exome Variant Server 0.00269; 1000 Genomes Project 0.00280.
gnomAD v4.1: 584 of 1,614,168 alleles (0.036%); highest among the groups gnomAD compares: African/African-American, 0.67%; 1 homozygote.

Submissions (3):

CeGaT Center for Human Genetics Tuebingen
Classification: Likely benign. Last evaluated: 2026-03-01. Review status: criteria provided, single submitter. Criteria: CeGaT Center For Human Genetics Tuebingen Variant Classification Criteria Version 2. Collection method: clinical testing. Allele origin: germline. Affected: yes. Observed: 1 variant allele.
Comment: ZNF462: BP4, BS1

Blueprint Genetics
Classification: Likely benign. Last evaluated: 2024-10-22. Review status: criteria provided, single submitter. Criteria: ACMG Guidelines, 2015. Collection method: clinical testing. Allele origin: germline.

PreventionGenetics, part of Exact Sciences
Classification: Likely benign for ZNF462-related condition. Last evaluated: 2024-01-03. Review status: no assertion criteria provided. Collection method: clinical testing. Allele origin: germline. Not counted in ClinVar's aggregate classification.
Comment: This variant is classified as likely benign based on ACMG/AMP sequence variant interpretation guidelines (Richards et al. 2015 PMID: 25741868, with internal and published modifications).

NM_021224.6(ZNF462):c.4185C>T (p.Ala1395=)

Gene: ZNF462 (zinc finger protein 462; plus strand). Cytogenetic location: 9q31.2.
Variant type: single nucleotide variant.
Coding change: c.4185C>T on transcript NM_021224.6 (MANE Select); coding-DNA position 4185, C replaced by T.
Protein change: p.Ala1395=; no amino-acid change (alanine 1395 retained).
Molecular consequence: synonymous variant. On other transcripts: intron variant (1).
Genome position (GRCh38, 1-based): chr9:106,928,097, C>T. VCF-style: chr9-106928097-C-T. GRCh37 (hg19) VCF-style: chr9-109690378-C-T.
Other names: c.3252+933C>T (NM_001347997.2).
Identifiers: ClinVar variation 3039851 (VCV003039851.7), dbSNP rs145741236, ClinGen allele CA5171785.